The following is an entry in ClinVar:

NM_000135.4(FANCA):c.2735C>T (p.Thr912Ile)

Gene: FANCA (FA complementation group A; minus strand). Cytogenetic location: 16q24.3.
Variant type: single nucleotide variant.
Coding change: c.2735C>T on transcript NM_000135.4 (MANE Select); coding-DNA position 2735, C replaced by T.
Protein change: p.Thr912Ile; replaces threonine 912 with isoleucine.
Molecular consequence: missense variant.
Genome position (GRCh38, 1-based): chr16:89,764,933, G>A on the plus strand (C>T on the coding strand, the complement: FANCA is on the minus strand). VCF-style: chr16-89764933-G-A. GRCh37 (hg19) VCF-style: chr16-89831341-G-A.
Other names: c.2735C>T (NM_000135.3); c.2735C>T, p.Thr912Ile (NM_001286167.3); short protein forms T912I.
Identifiers: ClinVar variation 1337460 (VCV001337460.13), dbSNP rs376302719, ClinGen allele CA8251581.

ClinVar aggregate classification (germline): Conflicting classifications of pathogenicity. Review status: criteria provided, conflicting classifications (1 of 4 stars). 6 submissions from 6 submitters: Uncertain significance (5); Likely benign (1). Last evaluated 2026-01-14.

Conditions:
FANCA-related disorder. Also called: FANCA-related condition.
Inborn genetic diseases. Identifiers: MedGen C0950123, MeSH D030342.
Fanconi anemia (FA). Also called: Fanconi's anemia. Identifiers: Orphanet 84, MedGen C0015625, MeSH D005199, MONDO:0019391.
Fanconi anemia complementation group A (FANCA). Also called: Fanconi anemia, group A; FANCA-Related Fanconi Anemia. Identifiers: Orphanet 84, MedGen C3469521, MONDO:0009215, OMIM 227650.

Allele frequency attached by ClinVar (database versions not stated): gnomAD 0.00005; ExAC 0.00006; TOPMed 0.00006.
gnomAD v4.1: 23 of 1,614,110 alleles (0.0014%); highest among the groups gnomAD compares: Admixed American, 0.02%; no homozygotes.

Submissions (6):

Labcorp Genetics (formerly Invitae), Labcorp
Classification: Likely benign for Fanconi anemia. Last evaluated: 2026-01-14. Review status: criteria provided, single submitter. Criteria: Invitae Variant Classification Sherloc (09022015). Collection method: clinical testing. Allele origin: germline.

Quest Diagnostics Nichols Institute San Juan Capistrano
Classification: Uncertain significance. Last evaluated: 2025-07-30. Review status: criteria provided, single submitter. Criteria: Quest Diagnostics criteria. Collection method: clinical testing. Allele origin: unknown.
Comment: The FANCA c.2735C>T (p.Thr912Ile) variant has not been reported in individuals with FANCA-related conditions in the published literature. The frequency of this variant in the general population (Genome Aggregation Database) is uninformative in the assessment of its pathogenicity. Analysis of this variant using bioinformatics tools for the prediction of the effect of amino acid changes on protein structure and function yielded predictions that this variant is benign. Based on the available information, we are unable to determine the clinical significance of this variant.

Ambry Genetics
Classification: Uncertain significance for Inborn genetic diseases. Last evaluated: 2024-12-13. Review status: criteria provided, single submitter. Criteria: Ambry Variant Classification Scheme 2023. Collection method: clinical testing. Allele origin: germline.
Comment: The p.T912I variant (also known as c.2735C>T), located in coding exon 28 of the FANCA gene, results from a C to T substitution at nucleotide position 2735. The threonine at codon 912 is replaced by isoleucine, an amino acid with similar properties. This amino acid position is conserved. In addition, this alteration is predicted to be tolerated by in silico analysis. Based on the available evidence, the clinical significance of this variant remains unclear.

PreventionGenetics, part of Exact Sciences
Classification: Uncertain significance for FANCA-related condition. Last evaluated: 2023-04-17. Review status: criteria provided, single submitter. Criteria: ACMG Guidelines, 2015. Collection method: clinical testing. Allele origin: germline.
Comment: The FANCA c.2735C>T variant is predicted to result in the amino acid substitution p.Thr912Ile. To our knowledge, this variant has not been reported in the literature. This variant is reported in 0.028% of alleles in individuals of Latino descent in gnomAD. At this time, the clinical significance of this variant is uncertain due to the absence of conclusive functional and genetic evidence.

Fulgent Genetics
Classification: Uncertain significance for Fanconi anemia complementation group A. Last evaluated: 2022-05-18. Review status: criteria provided, single submitter. Criteria: ACMG Guidelines, 2015. Collection method: clinical testing. Allele origin: unknown.

Genetic Services Laboratory, University of Chicago
Classification: Uncertain significance. Last evaluated: 2019-12-20. Review status: criteria provided, single submitter. Criteria: ACMG Guidelines, 2015. Collection method: clinical testing. Allele origin: germline. Affected: no.
Comment: DNA sequence analysis of the FANCA gene demonstrated a sequence change, c.2735C>T, in exon 28 that results in an amino acid change, p.Thr912Ile. This sequence change does not appear to have been previously described in patients with FANCA-related disorders and has been described in the gnomAD database with a frequency of 0.028% in Latino populations (dbSNP rs376302719). The p.Thr912Ile change affects a poorly conserved amino acid residue located in a domain of the FANCA protein that is not known to be functional. In-silico pathogenicity prediction tools (SIFT, PolyPhen2, Align GVGD, REVEL) provide contradictory results for the p.Thr912Ile substitution. Due to these contrasting evidences and the lack of functional studies, the clinical significance of the p.Thr912Ile change remains unknown at this time.